The following is an entry in ClinVar:

ClinVar aggregate classification (germline): Uncertain significance (1 of 4 stars; one submission).

Conditions:
Inborn genetic diseases. Identifiers: MedGen C0950123, MeSH D030342.

Submission:

Ambry Genetics
Classification: Uncertain significance for Inborn genetic diseases. Last evaluated: 2025-06-08. Review status: criteria provided, single submitter. Criteria: Ambry Variant Classification Scheme 2023. Collection method: clinical testing. Allele origin: germline.
Comment: The p.P1506S variant (also known as c.4516C>T), located in coding exon 1 of the SAMD9 gene, results from a C to T substitution at nucleotide position 4516. The proline at codon 1506 is replaced by serine, an amino acid with similar properties. This amino acid position is conserved. In addition, this alteration is predicted to be tolerated by in silico analysis. Based on the available evidence, the clinical significance of this variant remains unclear.

NM_017654.4(SAMD9):c.4516C>T (p.Pro1506Ser)

Gene: SAMD9 (sterile alpha motif domain containing 9; minus strand). Cytogenetic location: 7q21.2.
Variant type: single nucleotide variant.
Coding change: c.4516C>T on transcript NM_017654.4 (MANE Select); coding-DNA position 4516, C replaced by T.
Protein change: p.Pro1506Ser; replaces proline 1506 with serine.
Molecular consequence: missense variant.
Genome position (GRCh38, 1-based): chr7:93,101,582, G>A on the plus strand (C>T on the coding strand, the complement: SAMD9 is on the minus strand). VCF-style: chr7-93101582-G-A. GRCh37 (hg19) VCF-style: chr7-92730895-G-A.
Other names: c.4516C>T, p.Pro1506Ser (NM_001193307.2); short protein forms P1506S.
Identifiers: ClinVar variation 3949710 (VCV003949710.1).